The following is an entry in ClinVar:

ClinVar aggregate classification (germline): Uncertain significance (1 of 4 stars; one submission).

Conditions:
Koolen-de Vries syndrome (KDVS). Identifiers: Orphanet 96169, MedGen C1864871, MONDO:0012496, OMIM 610443.

Allele frequency attached by ClinVar (database versions not stated): TOPMed below 0.00001; gnomAD exomes 0.00001.
gnomAD v4.1: 17 of 1,566,048 alleles (0.0011%); highest among the groups gnomAD compares: Non-Finnish European, 0.0013%; no homozygotes.

Submission:

Labcorp Genetics (formerly Invitae), Labcorp
Classification: Uncertain significance for Koolen-de Vries syndrome. Last evaluated: 2022-09-27. Review status: criteria provided, single submitter. Criteria: Invitae Variant Classification Sherloc (09022015). Collection method: clinical testing. Allele origin: germline.
Comment: The frequency data for this variant in the population databases is considered unreliable, as metrics indicate poor data quality at this position in the gnomAD database. This sequence change replaces serine, which is neutral and polar, with proline, which is neutral and non-polar, at codon 965 of the KANSL1 protein (p.Ser965Pro). This variant has not been reported in the literature in individuals affected with KANSL1-related conditions. ClinVar contains an entry for this variant (Variation ID: 566736). Advanced modeling of protein sequence and biophysical properties (such as structural, functional, and spatial information, amino acid conservation, physicochemical variation, residue mobility, and thermodynamic stability) performed at Invitae indicates that this missense variant is not expected to disrupt KANSL1 protein function. In summary, the available evidence is currently insufficient to determine the role of this variant in disease. Therefore, it has been classified as a Variant of Uncertain Significance.

NM_015443.4(KANSL1):c.2893T>C (p.Ser965Pro)

Gene: KANSL1 (KAT8 regulatory NSL complex subunit 1). Cytogenetic location: 17q21.31.
Variant type: single nucleotide variant.
Coding change: c.2893T>C on transcript NM_015443.4 (MANE Select); coding-DNA position 2893, T replaced by C.
Protein change: p.Ser965Pro; replaces serine 965 with proline.
Molecular consequence: missense variant.
Genome position (GRCh38, 1-based): chr17:46,032,244, A>G on the plus strand (T>C on the coding strand, the complement: KANSL1 is on the minus strand). VCF-style: chr17-46032244-A-G. GRCh37 (hg19) VCF-style: chr17-44109610-A-G.
Other names: c.2890T>C, p.Ser964Pro (NM_001193465.2); c.2893T>C, p.Ser965Pro (NM_001193466.2, NM_001379198.1); short protein forms S965P, S964P.
Identifiers: ClinVar variation 566736 (VCV000566736.6), dbSNP rs1291308469, ClinGen allele CA399987239.
Genomic context (GRCh38, chr17:46,032,244, plus strand): 5'-GGGAGTATTCTGACAAAGAGTGGCTACTGCTGACATCAGGGGAGGCAGGCTGGGGGGTGG[A>G]GGGGTTGGCACTGCCCAGCTGGGGGGTTGTCCGGCCGTCTGATGACCTGTAGGACCTGCA-3'
Protein context (NP_056258.1, residues 955-975): TTPQLGSANP[Ser965Pro]TPQPASPDVS